The following is an entry in ClinVar:

NM_001378964.1(CDON):c.2996-45_2996-42del

Gene: CDON (cell adhesion associated, oncogene regulated; minus strand). Cytogenetic location: 11q24.2.
Variant type: Microsatellite.
Coding change: c.2996-45_2996-42del on transcript NM_001378964.1 (MANE Select); 45 bases into the intron before coding-DNA position 2996 through 42 bases into the intron before coding-DNA position 2996, 4 bases deleted (CGTG; older notation c.2996-45_2996-42delCGTG).
Molecular consequence: intron variant.
Genome position (GRCh38, 1-based): chr11:125,981,371-125,981,374, CACG deleted on the plus strand (CGTG on the coding strand, the reverse complement: CDON is on the minus strand); deleting any 4 consecutive bases within chr11:125,981,371-125,981,381 gives the same sequence; the c. name uses the placement nearest the transcript's 3' end. VCF-style (leftmost placement, unchanged base first): chr11-125981370-ACACG-A. GRCh37 (hg19) VCF-style: chr11-125851265-ACACG-A.
Other names: c.2996-45_2996-42del (NM_001441164.1, NM_001441162.1, NM_001441161.1 and 5 more transcripts).
Identifiers: ClinVar variation 1274766 (VCV001274766.3), dbSNP rs113796011, ClinGen allele CA6351550.

ClinVar aggregate classification (germline): Benign. Review status: criteria provided, single submitter (1 of 4 stars). 2 submissions from 2 submitters: Benign (1). 1 of the submissions does not count toward it. Last evaluated 2019-09-02.

Conditions:
CDON-related disorder. Also called: CDON-related condition.

Submissions (2):

GeneDx
Classification: Benign. Last evaluated: 2019-09-02. Review status: criteria provided, single submitter. Criteria: GeneDx Variant Classification Process June 2021. Collection method: clinical testing. Allele origin: germline. Affected: yes.

PreventionGenetics, part of Exact Sciences
Classification: Benign for CDON-related condition. Last evaluated: 2019-04-18. Review status: no assertion criteria provided. Collection method: clinical testing. Allele origin: germline. Not counted in ClinVar's aggregate classification.
Comment: This variant is classified as benign based on ACMG/AMP sequence variant interpretation guidelines (Richards et al. 2015 PMID: 25741868, with internal and published modifications).